The following is an entry in ClinVar:

ClinVar aggregate classification (germline): Uncertain significance (1 of 4 stars; one submission).

Submission:

Ambry Genetics
Classification: Uncertain significance. Last evaluated: 2024-03-04. Review status: criteria provided, single submitter. Criteria: Ambry Variant Classification Scheme 2023. Collection method: clinical testing. Allele origin: germline.
Comment: The p.L1785V variant (also known as c.5353T>G), located in coding exon 16 of the POLQ gene, results from a T to G substitution at nucleotide position 5353. The leucine at codon 1785 is replaced by valine, an amino acid with highly similar properties. This amino acid position is conserved. In addition, this alteration is predicted to be tolerated by in silico analysis. Based on the available evidence, the clinical significance of this alteration remains unclear.

NM_199420.4(POLQ):c.5353T>G (p.Leu1785Val)

Gene: POLQ (DNA polymerase theta; minus strand). Cytogenetic location: 3q13.33.
Variant type: single nucleotide variant.
Coding change: c.5353T>G on transcript NM_199420.4 (MANE Select); coding-DNA position 5353, T replaced by G.
Protein change: p.Leu1785Val; replaces leucine 1785 with valine.
Molecular consequence: missense variant.
Genome position (GRCh38, 1-based): chr3:121,487,578, A>C on the plus strand (T>G on the coding strand, the complement: POLQ is on the minus strand). VCF-style: chr3-121487578-A-C. GRCh37 (hg19) VCF-style: chr3-121206425-A-C.
Other names: short protein forms L1785V.
Identifiers: ClinVar variation 3230053 (VCV003230053.1), dbSNP rs2546784824, ClinGen allele CA354090447.
Genomic context (GRCh38, chr3:121,487,578, plus strand): 5'-AAAAGCTTGTGTCACTAATAGGGCTGTTGTCTTTGAACCCATTTCTACTCCCTGGACTTA[A>C]ATCGTGGTTTTTAATATCTGAAGGTGAGCCAAATAAATAACTTTCACCAGGTTGTAAAAC-3'
Protein context (NP_955452.3, residues 1775-1795): GSPSDIKNHD[Leu1785Val]SPGSRNGFKD